The following is an entry in ClinVar:

ClinVar aggregate classification (germline): Uncertain significance (1 of 4 stars; one submission).

Allele frequency attached by ClinVar (database versions not stated): TOPMed below 0.00001; ExAC 0.00001; gnomAD 0.00001; gnomAD exomes 0.00001 and 0.00003.

Submission:

Labcorp Genetics (formerly Invitae), Labcorp
Classification: Uncertain significance. Last evaluated: 2026-02-01. Review status: criteria provided, single submitter. Criteria: Invitae Variant Classification Sherloc (09022015). Collection method: clinical testing. Allele origin: germline.
Comment: This sequence change replaces tyrosine, which is neutral and polar, with cysteine, which is neutral and slightly polar, at codon 322 of the IL6ST protein (p.Tyr322Cys). This variant is present in population databases (rs762239095, gnomAD 0.004%). This variant has not been reported in the literature in individuals affected with IL6ST-related conditions. ClinVar contains an entry for this variant (Variation ID: 1359171). An algorithm developed to predict the effect of missense changes on protein structure and function (PolyPhen-2) suggests that this variant is likely to be disruptive. In summary, the available evidence is currently insufficient to determine the role of this variant in disease. Therefore, it has been classified as a Variant of Uncertain Significance.

NM_002184.4(IL6ST):c.965A>G (p.Tyr322Cys)

Gene: IL6ST (interleukin 6 cytokine family signal transducer; minus strand). Cytogenetic location: 5q11.2.
Variant type: single nucleotide variant.
Coding change: c.965A>G on transcript NM_002184.4 (MANE Select); coding-DNA position 965, A replaced by G.
Protein change: p.Tyr322Cys; replaces tyrosine 322 with cysteine.
Molecular consequence: missense variant. On other transcripts: non-coding transcript variant (2).
Genome position (GRCh38, 1-based): chr5:55,960,410, T>C on the plus strand (A>G on the coding strand, the complement: IL6ST is on the minus strand). VCF-style: chr5-55960410-T-C. GRCh37 (hg19) VCF-style: chr5-55256238-T-C.
Other names: c.965A>G, p.Tyr322Cys (NM_001190981.2, NM_001364275.2, NM_175767.3); c.755A>G, p.Tyr252Cys (NM_001364276.2); c.52A>G, p.Met18Val (NM_001364277.2, NM_001364279.2); c.62A>G, p.Tyr21Cys (NM_001364278.2); short protein forms Y21C, Y322C, M18V, Y252C.
Identifiers: ClinVar variation 1359171 (VCV001359171.8), dbSNP rs762239095, ClinGen allele CA3271576.